The following is an entry in ClinVar:

ClinVar aggregate classification (germline): Likely benign (1 of 4 stars; one submission).

Submission:

CeGaT Center for Human Genetics Tuebingen
Classification: Likely benign. Last evaluated: 2025-08-01. Review status: criteria provided, single submitter. Criteria: CeGaT Center For Human Genetics Tuebingen Variant Classification Criteria Version 2. Collection method: clinical testing. Allele origin: germline. Affected: yes. Observed: 1 variant allele.
Comment: ATXN10: PM2:Supporting, BP4, BP7

NM_013236.4(ATXN10):c.888T>C (p.Asp296=)

Gene: ATXN10 (ataxin 10; plus strand). Cytogenetic location: 22q13.31.
Variant type: single nucleotide variant.
Coding change: c.888T>C on transcript NM_013236.4 (MANE Select); coding-DNA position 888, T replaced by C.
Protein change: p.Asp296=; no amino-acid change (aspartic acid 296 retained).
Molecular consequence: synonymous variant.
Genome position (GRCh38, 1-based): chr22:45,729,584, T>C. VCF-style: chr22-45729584-T-C. GRCh37 (hg19) VCF-style: chr22-46125464-T-C.
Other names: c.696T>C, p.Asp232= (NM_001167621.2).
Identifiers: ClinVar variation 4085818 (VCV004085818.8).
Genomic context (GRCh38, chr22:45,729,584, plus strand): 5'-AAGCACCTTTGTGGATCAGTGCAAGACTGTGCTCAAGCTGGCCTCTGAGGAGCCTCCTGA[T>C]GATGAGGTAAGGGAGGCAGATTTCCCAATCTCGGGTAAAAGAGAATGGACAGATTTTCTA-3'
Protein context (NP_037368.1, residues 286-306): VLKLASEEPP[Asp296=]DEEALATIRL